The following is an entry in ClinVar:

ClinVar aggregate classification (germline): Uncertain significance. Review status: criteria provided, multiple submitters, no conflicts (2 of 4 stars). 2 submissions from 2 submitters: Uncertain significance (2). Last evaluated 2025-09-01.

Conditions:
Intellectual developmental disorder with hypotonia and behavioral abnormalities. Identifiers: MedGen C5231489, MONDO:0032897, OMIM 618748.

Submissions (2):

CeGaT Center for Human Genetics Tuebingen
Classification: Uncertain significance. Last evaluated: 2025-09-01. Review status: criteria provided, single submitter. Criteria: CeGaT Center For Human Genetics Tuebingen Variant Classification Criteria Version 2. Collection method: clinical testing. Allele origin: germline. Affected: yes. Observed: 1 variant allele.
Comment: CDK8: PM2

Victorian Clinical Genetics Services, Murdoch Childrens Research Institute
Classification: Uncertain significance for Intellectual developmental disorder with hypotonia and behavioral abnormalities. Last evaluated: 2020-05-26. Review status: criteria provided, single submitter. Criteria: ACMG Guidelines, 2015. Collection method: clinical testing. Allele origin: germline. Inheritance: Autosomal dominant inheritance. Affected: yes.
Comment: Based on the classification scheme VCGS_Germline_v1.1.1, this variant is classified as a 3B-VUS. Following criteria are met: 0105 - The mechanism of disease for this gene is not clearly established. (N) 0107 - This gene is known to be associated with autosomal dominant disease. (N) 0200 - Variant is predicted to result in a missense amino acid change from an asparagine to a lysine (exon 13). (N) 0251 - Variant is heterozygous. (N) 0302 - Variant is present in gnomAD <0.001 for a dominant condition (1 heterozygote, 0 homozygotes). (P) 0502 - Missense variant with conflicting in silico predictions and/or uninformative conservation. (N) 0604 - Variant is not located in an established domain, motif, hotspot or informative constraint region. (N) 0705 - No comparable variants have previous evidence for pathogenicity. (N) 0807 - Variant has not previously been reported in a clinical context. (N) 0905 - No segregation evidence has been identified for this variant. (N) 1007 - No published functional evidence has been identified for this variant. (N) 1208 - Inheritance information for this variant is not currently available. (N) Legend: (P) - Pathogenic, (N) - Neutral, (B) - Benign

NM_001260.3(CDK8):c.1299C>G (p.Asn433Lys)

Gene: CDK8 (cyclin dependent kinase 8; plus strand). Cytogenetic location: 13q12.13.
Variant type: single nucleotide variant.
Coding change: c.1299C>G on transcript NM_001260.3 (MANE Select); coding-DNA position 1299, C replaced by G.
Protein change: p.Asn433Lys; replaces asparagine 433 with lysine.
Molecular consequence: missense variant.
Genome position (GRCh38, 1-based): chr13:26,403,985, C>G. VCF-style: chr13-26403985-C-G. GRCh37 (hg19) VCF-style: chr13-26978122-C-G.
Other names: c.1296C>G, p.Asn432Lys (NM_001318368.2); c.780C>G, p.Asn260Lys (NM_001346501.2); short protein forms N260K, N432K, N433K.
Identifiers: ClinVar variation 1805781 (VCV001805781.8), dbSNP rs1357664738, ClinGen allele CA387686571.
Genomic context (GRCh38, chr13:26,403,985, plus strand): 5'-GAATCACACTTTTCCCTCATCTCCTTTCCAGCGTTCCAATCCACATGCTGCCTATCCCAA[C>G]CCTGGACCAAGCACATCACAGCCGCAGAGCAGCATGGGATACTCAGCTACCTCCCAGCAG-3'
Protein context (NP_001251.1, residues 423-443): QRSNPHAAYP[Asn433Lys]PGPSTSQPQS